The following is an entry in ClinVar:

NM_000059.4(BRCA2):c.6807T>C (p.Ile2269=)

Gene: BRCA2 (BRCA2 DNA repair associated; plus strand). Cytogenetic location: 13q13.1.
Variant type: single nucleotide variant.
Coding change: c.6807T>C on transcript NM_000059.4 (MANE Select); coding-DNA position 6807, T replaced by C.
Protein change: p.Ile2269=; no amino-acid change (isoleucine 2269 retained).
Molecular consequence: synonymous variant.
Genome position (GRCh38, 1-based): chr13:32,341,162, T>C. VCF-style: chr13-32341162-T-C. GRCh37 (hg19) VCF-style: chr13-32915299-T-C.
Identifiers: ClinVar variation 184513 (VCV000184513.5), dbSNP rs786201513, ClinGen allele CA024422.

ClinVar aggregate classification (germline): Likely benign. Review status: reviewed by expert panel (3 of 4 stars). 2 submissions from 2 submitters: Likely benign (1). 1 of the submissions does not count toward it. Last evaluated 2017-06-29.

Conditions:
Hereditary cancer-predisposing syndrome. Also called: Tumor predisposition; Hereditary Cancer Syndrome; Hereditary neoplastic syndrome; Neoplastic Syndromes, Hereditary. Identifiers: Orphanet 140162, MedGen C0027672, MeSH D009386, MONDO:0015356.
Breast-ovarian cancer, familial, susceptibility to, 2 (BROVCA2). Also called: BRCA2 Hereditary Breast and Ovarian Cancer. Identifiers: Orphanet 145, MedGen C2675520, MONDO:0012933, OMIM 612555. Disease mechanism: loss of function.

Allele frequency attached by ClinVar (database versions not stated): gnomAD exomes below 0.00001.
gnomAD v4.1: 1 of 1,613,956 alleles (0.000062%); highest among the groups gnomAD compares: Non-Finnish European, 0.000085%; no homozygotes.

Submissions (2):

Evidence-based Network for the Interpretation of Germline Mutant Alleles (ENIGMA)
Classification: Likely benign for Breast-ovarian cancer, familial, susceptibility to, 2. Last evaluated: 2017-06-29. Review status: reviewed by expert panel. Criteria: ENIGMA BRCA1/2 Classification Criteria (2017-06-29). Collection method: curation. Allele origin: germline.
Comment: Synonymous substitution variant, with low bioinformatic likelihood to result in a splicing aberration (Splicing prior probability 0.02).

Ambry Genetics
Classification: Likely benign for Hereditary cancer-predisposing syndrome. Last evaluated: 2013-12-26. Review status: criteria provided, single submitter. Criteria: Ambry Autosomal Dominant and X-Linked criteria (10/2015). Collection method: clinical testing. Allele origin: germline. Observed: 1 variant allele. Not counted in ClinVar's aggregate classification.